The following is an entry in ClinVar:

NM_024753.5(TTC21B):c.3021A>G (p.Arg1007=)

Gene: TTC21B (tetratricopeptide repeat domain 21B; minus strand). Cytogenetic location: 2q24.3.
Variant type: single nucleotide variant.
Coding change: c.3021A>G on transcript NM_024753.5 (MANE Select); coding-DNA position 3021, A replaced by G.
Protein change: p.Arg1007=; no amino-acid change (arginine 1007 retained).
Molecular consequence: synonymous variant.
Genome position (GRCh38, 1-based): chr2:165,890,918, T>C on the plus strand (A>G on the coding strand, the complement: TTC21B is on the minus strand). VCF-style: chr2-165890918-T-C. GRCh37 (hg19) VCF-style: chr2-166747428-T-C.
Other names: c.3021A>G (NM_024753.4).
Identifiers: ClinVar variation 2936696 (VCV002936696.4), dbSNP rs370767165, ClinGen allele CA1941613.
Genomic context (GRCh38, chr2:165,890,918, plus strand): 5'-ATACTGAAATCCTGGTTCCAATTTTGCTCTGGAGTTACGTTTCTCAGCCATTGAGAAAAA[T>C]CTTGGGACATCCTCGAGTTTTCCACATCTTCTTAGGAGATCAATCAAACGAGATAATGTC-3'
Protein context (NP_079029.3, residues 997-1017): RRCGKLEDVP[Arg1007=]FFSMAEKRNS

ClinVar aggregate classification (germline): Likely benign. Review status: criteria provided, multiple submitters, no conflicts (2 of 4 stars). 2 submissions from 2 submitters: Likely benign (2). Last evaluated 2026-09-23.

Conditions:
Jeune thoracic dystrophy. Also called: Jeune syndrome; Infantile thoracic dystrophy; Thoracic pelvic phalangeal dystrophy; Jeune's syndrome; Chondroectodermal dysplasia-like syndrome; Short-rib thoracic dysplasia. Identifiers: Orphanet 474, MedGen C0265275, MONDO:0018770.
Nephronophthisis. Also called: Juvenile Nephronophthisis. Identifiers: Orphanet 655, MedGen C0687120, MONDO:0019005, HP:0000090.
TTC21B-related disorder. Also called: TTC21B-related condition; TTC21B-related disorders.

Allele frequency attached by ClinVar (database versions not stated): ExAC 0.00001; gnomAD 0.00001; gnomAD exomes 0.00001; TOPMed 0.00001; ESP Exome Variant Server 0.00008.
gnomAD v4.1: 14 of 1,613,274 alleles (0.00087%); highest among the groups gnomAD compares: Non-Finnish European, 0.0011%; no homozygotes.

Submissions (2):

PreventionGenetics, part of Exact Sciences
Classification: Likely benign for TTC21B-related condition. Last evaluated: 2026-09-23. Review status: criteria provided, single submitter. Criteria: ACMG Guidelines, 2015. Collection method: clinical testing. Allele origin: germline.
Comment: This variant is classified as likely benign based on ACMG/AMP sequence variant interpretation guidelines (Richards et al. 2015 PMID: 25741868, with internal and published modifications).

Labcorp Genetics (formerly Invitae), Labcorp
Classification: Likely benign for Jeune thoracic dystrophy; Nephronophthisis. Last evaluated: 2025-09-26. Review status: criteria provided, single submitter. Criteria: Invitae Variant Classification Sherloc (09022015). Collection method: clinical testing. Allele origin: germline.